The following is an entry in ClinVar:

ClinVar aggregate classification (germline): Uncertain significance (1 of 4 stars; one submission).

Submission:

Labcorp Genetics (formerly Invitae), Labcorp
Classification: Uncertain significance. Last evaluated: 2024-06-13. Review status: criteria provided, single submitter. Criteria: Invitae Variant Classification Sherloc (09022015). Collection method: clinical testing. Allele origin: germline.
Comment: This sequence change replaces valine, which is neutral and non-polar, with leucine, which is neutral and non-polar, at codon 927 of the LAMA3 protein (p.Val927Leu). This variant is not present in population databases (gnomAD no frequency). This variant has not been reported in the literature in individuals affected with LAMA3-related conditions. An algorithm developed to predict the effect of missense changes on protein structure and function (PolyPhen-2) suggests that this variant is likely to be tolerated. In summary, the available evidence is currently insufficient to determine the role of this variant in disease. Therefore, it has been classified as a Variant of Uncertain Significance.

NM_198129.4(LAMA3):c.7606G>C (p.Val2536Leu)

Gene: LAMA3 (laminin subunit alpha 3; plus strand). Cytogenetic location: 18q11.2.
Variant type: single nucleotide variant.
Coding change: c.7606G>C on transcript NM_198129.4 (MANE Select); coding-DNA position 7606, G replaced by C.
Protein change: p.Val2536Leu; replaces valine 2536 with leucine.
Molecular consequence: missense variant.
Genome position (GRCh38, 1-based): chr18:23,914,822, G>C. VCF-style: chr18-23914822-G-C. GRCh37 (hg19) VCF-style: chr18-21494786-G-C.
Other names: c.2779G>C, p.Val927Leu (NM_000227.6); c.7438G>C, p.Val2480Leu (NM_001127717.4); c.2611G>C, p.Val871Leu (NM_001127718.4); short protein forms V871L, V2480L, V927L, V2536L.
Identifiers: ClinVar variation 3671661 (VCV003671661.2).